The following is an entry in ClinVar:

ClinVar aggregate classification (germline): Uncertain significance. Review status: criteria provided, multiple submitters, no conflicts (2 of 4 stars). 2 submissions from 2 submitters: Uncertain significance (2). Last evaluated 2026-04-28.

Conditions:
ARL6-related disorder. Also called: ARL6-related condition.
Retinitis pigmentosa 55 (RP55). Identifiers: Orphanet 791, MedGen C3150808, MONDO:0013312, OMIM 613575.
Bardet-Biedl syndrome 3 (BBS3). Identifiers: Orphanet 110, MedGen C1859564, MONDO:0010832, OMIM 600151.

Allele frequency attached by ClinVar (database versions not stated): gnomAD exomes below 0.00001 and 0.00001; ExAC 0.00001; ESP Exome Variant Server 0.00008.
gnomAD v4.1: 4 of 1,612,676 alleles (0.00025%); highest among the groups gnomAD compares: African/African-American, 0.004%; no homozygotes.

Submissions (2):

PreventionGenetics, part of Exact Sciences
Classification: Uncertain significance for ARL6-related condition. Last evaluated: 2026-04-28. Review status: criteria provided, single submitter. Criteria: ACMG Guidelines, 2015. Collection method: clinical testing. Allele origin: germline.
Comment: The ARL6 c.197C>T variant is predicted to result in the amino acid substitution p.Thr66Ile. To our knowledge, this variant has not been reported in the literature. This variant is reported in 0.0062% of alleles in individuals of African descent in gnomAD. At this time, the clinical significance of this variant is uncertain due to the absence of conclusive functional and genetic evidence.

Labcorp Genetics (formerly Invitae), Labcorp
Classification: Uncertain significance for Retinitis pigmentosa 55; Bardet-Biedl syndrome 3. Last evaluated: 2022-08-15. Review status: criteria provided, single submitter. Criteria: Invitae Variant Classification Sherloc (09022015). Collection method: clinical testing. Allele origin: germline.
Comment: This sequence change replaces threonine, which is neutral and polar, with isoleucine, which is neutral and non-polar, at codon 66 of the ARL6 protein (p.Thr66Ile). In summary, the available evidence is currently insufficient to determine the role of this variant in disease. Therefore, it has been classified as a Variant of Uncertain Significance. Algorithms developed to predict the effect of missense changes on protein structure and function are either unavailable or do not agree on the potential impact of this missense change (SIFT: "Tolerated"; PolyPhen-2: "Probably Damaging"; Align-GVGD: "Class C0"). ClinVar contains an entry for this variant (Variation ID: 1448664). This variant has not been reported in the literature in individuals affected with ARL6-related conditions. This variant is present in population databases (rs150667690, gnomAD 0.003%).

NM_001278293.3(ARL6):c.197C>T (p.Thr66Ile)

Gene: ARL6 (ARF like GTPase 6; plus strand). Cytogenetic location: 3q11.2.
Variant type: single nucleotide variant.
Coding change: c.197C>T on transcript NM_001278293.3 (MANE Select); coding-DNA position 197, C replaced by T.
Protein change: p.Thr66Ile; replaces threonine 66 with isoleucine.
Molecular consequence: missense variant. On other transcripts: non-coding transcript variant (7).
Genome position (GRCh38, 1-based): chr3:97,780,626, C>T. VCF-style: chr3-97780626-C-T. GRCh37 (hg19) VCF-style: chr3-97499470-C-T.
Other names: c.197C>T, p.Thr66Ile (NM_001323513.2, NM_001323514.2, NM_032146.5 and 1 more transcripts); short protein forms T66I.
Identifiers: ClinVar variation 1448664 (VCV001448664.5), dbSNP rs150667690, ClinGen allele CA2505893.